The following is an entry in ClinVar:

ClinVar aggregate classification (germline): Uncertain significance (1 of 4 stars; one submission).

Submission:

Labcorp Genetics (formerly Invitae), Labcorp
Classification: Uncertain significance. Last evaluated: 2022-10-14. Review status: criteria provided, single submitter. Criteria: Invitae Variant Classification Sherloc (09022015). Collection method: clinical testing. Allele origin: germline.
Comment: Algorithms developed to predict the effect of missense changes on protein structure and function are either unavailable or do not agree on the potential impact of this missense change (SIFT: "Deleterious"; PolyPhen-2: "Possibly Damaging"; Align-GVGD: "Class C0"). In summary, the available evidence is currently insufficient to determine the role of this variant in disease. Therefore, it has been classified as a Variant of Uncertain Significance. This variant has not been reported in the literature in individuals affected with SORL1-related conditions. This variant is not present in population databases (gnomAD no frequency). This sequence change replaces phenylalanine, which is neutral and non-polar, with leucine, which is neutral and non-polar, at codon 574 of the SORL1 protein (p.Phe574Leu).

NM_003105.6(SORL1):c.1722C>G (p.Phe574Leu)

Gene: SORL1 (sortilin related receptor 1; plus strand). Cytogenetic location: 11q24.1.
Variant type: single nucleotide variant.
Coding change: c.1722C>G on transcript NM_003105.6 (MANE Select); coding-DNA position 1722, C replaced by G.
Protein change: p.Phe574Leu; replaces phenylalanine 574 with leucine.
Molecular consequence: missense variant.
Genome position (GRCh38, 1-based): chr11:121,543,584, C>G. VCF-style: chr11-121543584-C-G. GRCh37 (hg19) VCF-style: chr11-121414293-C-G.
Other names: short protein forms F574L.
Identifiers: ClinVar variation 1721606 (VCV001721606.5), dbSNP rs1270374387, ClinGen allele CA383028716.